The following is an entry in ClinVar:

NM_003906.5(MCM3AP):c.1239G>A (p.Pro413=)

Gene: MCM3AP (minichromosome maintenance complex component 3 associated protein; minus strand). Cytogenetic location: 21q22.3.
Variant type: single nucleotide variant.
Coding change: c.1239G>A on transcript NM_003906.5 (MANE Select); coding-DNA position 1239, G replaced by A.
Protein change: p.Pro413=; no amino-acid change (proline 413 retained).
Molecular consequence: synonymous variant.
Genome position (GRCh38, 1-based): chr21:46,283,819, C>T on the plus strand (G>A on the coding strand, the complement: MCM3AP is on the minus strand). VCF-style: chr21-46283819-C-T. GRCh37 (hg19) VCF-style: chr21-47703733-C-T.
Other names: p.Pro413=.
Identifiers: ClinVar variation 707837 (VCV000707837.49), dbSNP rs139966669, ClinGen allele CA10077140.

ClinVar aggregate classification (germline): Likely benign. Review status: criteria provided, multiple submitters, no conflicts (2 of 4 stars). 5 submissions from 5 submitters: Likely benign (4). 1 of the submissions does not count toward it. Last evaluated 2026-09-01.

Conditions:
MCM3AP-related disorder. Also called: MCM3AP-related condition.

Allele frequency attached by ClinVar (database versions not stated): gnomAD 0.00021 and 0.00022; TOPMed 0.00022; ESP Exome Variant Server 0.00038.
gnomAD v4.1: 445 of 1,613,114 alleles (0.028%); highest among the groups gnomAD compares: Middle Eastern, 0.036%; 1 homozygote.

Submissions (5):

CeGaT Center for Human Genetics Tuebingen
Classification: Likely benign. Last evaluated: 2026-09-01. Review status: criteria provided, single submitter. Criteria: CeGaT Center For Human Genetics Tuebingen Variant Classification Criteria Version 2. Collection method: clinical testing. Allele origin: germline. Affected: yes. Observed: 4 variant alleles.
Comment: MCM3AP: BP4, BP7

Labcorp Genetics (formerly Invitae), Labcorp
Classification: Likely benign. Last evaluated: 2026-01-19. Review status: criteria provided, single submitter. Criteria: Invitae Variant Classification Sherloc (09022015). Collection method: clinical testing. Allele origin: germline.

Mayo Clinic Laboratories, Mayo Clinic
Classification: Likely benign. Last evaluated: 2025-05-27. Review status: criteria provided, single submitter. Criteria: ACMG Guidelines, 2015. Collection method: clinical testing. Allele origin: germline. Observed: 1 variant allele.
Comment: BP4, BP7

Blueprint Genetics
Classification: Likely benign. Last evaluated: 2024-11-05. Review status: criteria provided, single submitter. Criteria: ACMG Guidelines, 2015. Collection method: clinical testing. Allele origin: germline.

PreventionGenetics, part of Exact Sciences
Classification: Likely benign for MCM3AP-related condition. Last evaluated: 2019-06-27. Review status: no assertion criteria provided. Collection method: clinical testing. Allele origin: germline. Not counted in ClinVar's aggregate classification.
Comment: This variant is classified as likely benign based on ACMG/AMP sequence variant interpretation guidelines (Richards et al. 2015 PMID: 25741868, with internal and published modifications).